The following is an entry in ClinVar:

ClinVar aggregate classification (germline): Benign. Review status: criteria provided, multiple submitters, no conflicts (2 of 4 stars). 12 submissions from 12 submitters: Benign (9). 3 of the submissions do not count toward it. Last evaluated 2026-02-04.

Conditions:
Usher syndrome type 1 (USH1). Also called: RETINITIS PIGMENTOSA AND CONGENITAL DEAFNESS. Identifiers: Orphanet 231169, Orphanet 886, MedGen C1568247, MONDO:0010168, OMIM 276900.
Usher syndrome type 1F (USH1F). Also called: USHER SYNDROME, TYPE IF. Identifiers: Orphanet 231169, Orphanet 886, MedGen C1865885, MONDO:0011186, OMIM 602083.

Allele frequency attached by ClinVar (database versions not stated): ESP Exome Variant Server 0.21113; gnomAD exomes 0.22026 and 0.25201; gnomAD 0.22399 and 0.23290; TOPMed 0.22586; ExAC 0.25623; 1000 Genomes Project 30x 0.30543; 1000 Genomes Project 0.31530.
gnomAD v4.1: 357,782 of 1,613,478 alleles (22%); highest among the groups gnomAD compares: East Asian, 51%; 44,202 homozygotes.

Submissions (12):

Labcorp Genetics (formerly Invitae), Labcorp
Classification: Benign. Last evaluated: 2026-02-04. Review status: criteria provided, single submitter. Criteria: Invitae Variant Classification Sherloc (09022015). Collection method: clinical testing. Allele origin: germline.

Blueprint Genetics
Classification: Benign. Last evaluated: 2024-11-27. Review status: criteria provided, single submitter. Criteria: ACMG Guidelines, 2015. Collection method: clinical testing. Allele origin: germline.

Genome-Nilou Lab
Classification: Benign for Usher syndrome type 1F. Last evaluated: 2021-07-01. Review status: criteria provided, single submitter. Criteria: ACMG Guidelines, 2015. Collection method: clinical testing. Allele origin: germline. Affected: no.

Mayo Clinic Laboratories, Mayo Clinic
Classification: Benign. Last evaluated: 2020-10-20. Review status: criteria provided, single submitter. Criteria: ACMG Guidelines, 2015. Collection method: clinical testing. Allele origin: germline. Observed: 58 variant alleles.

Illumina Laboratory Services, Illumina
Classification: Benign for Usher syndrome type 1. Last evaluated: 2018-01-13. Review status: criteria provided, single submitter. Criteria: ICSL Variant Classification Criteria 13 December 2019. Collection method: clinical testing. Allele origin: germline.
Comment: This variant was observed in the ICSL laboratory as part of a predisposition screen in an ostensibly healthy population. It had not been previously curated by ICSL or reported in the Human Gene Mutation Database (HGMD: prior to June 1st, 2018), and was therefore a candidate for classification through an automated scoring system. Utilizing variant allele frequency, disease prevalence and penetrance estimates, and inheritance mode, an automated score was calculated to assess if this variant is too frequent to cause the disease. Based on the score and internal cut-off values, a variant classified as benign is not then subjected to further curation. The score for this variant resulted in a classification of benign for this disease.

GeneDx
Classification: Benign. Last evaluated: 2015-03-03. Review status: criteria provided, single submitter. Criteria: GeneDx Variant Classification Process June 2021. Collection method: clinical testing. Allele origin: germline. Affected: yes.

Laboratory for Molecular Medicine, Mass General Brigham Personalized Medicine
Classification: Benign. Last evaluated: 2009-06-23. Review status: criteria provided, single submitter. Criteria: LMM Criteria. Collection method: clinical testing. Allele origin: germline. Observed: 871 variant alleles.

Breakthrough Genomics
Classification: Benign. Review status: criteria provided, single submitter. Criteria: ACMG Guidelines, 2015. Collection method: not provided. Allele origin: germline. Inheritance: Autosomal recessive inheritance. Affected: yes.

PreventionGenetics, part of Exact Sciences
Classification: Benign. Review status: criteria provided, single submitter. Criteria: ACMG Guidelines, 2015. Collection method: clinical testing. Allele origin: germline.

Natera, Inc.
Classification: Benign for Usher syndrome type 1F. Last evaluated: 2020-09-16. Review status: no assertion criteria provided. Collection method: clinical testing. Allele origin: germline. Not counted in ClinVar's aggregate classification.

Diagnostic Laboratory, Department of Genetics, University Medical Center Groningen
Classification: Benign. Review status: no assertion criteria provided. Collection method: clinical testing. Allele origin: germline. Affected: yes. Study: VKGL Data-share Consensus. Not counted in ClinVar's aggregate classification.

Joint Genome Diagnostic Labs from Nijmegen and Maastricht, Radboudumc and MUMC+
Classification: Benign. Review status: no assertion criteria provided. Collection method: clinical testing. Allele origin: germline. Affected: yes. Study: VKGL Data-share Consensus. Not counted in ClinVar's aggregate classification.

NM_001384140.1(PCDH15):c.2786G>A (p.Arg929Gln)

Gene: PCDH15 (protocadherin related 15; minus strand). Cytogenetic location: 10q21.1.
Variant type: single nucleotide variant.
Coding change: c.2786G>A on transcript NM_001384140.1 (MANE Select); coding-DNA position 2786, G replaced by A.
Protein change: p.Arg929Gln; replaces arginine 929 with glutamine.
Molecular consequence: missense variant.
Genome position (GRCh38, 1-based): chr10:53,995,731, C>T on the plus strand (G>A on the coding strand, the complement: PCDH15 is on the minus strand). VCF-style: chr10-53995731-C-T. GRCh37 (hg19) VCF-style: chr10-55755491-C-T.
Other names: c.2801G>A, p.Arg934Gln (NM_001142763.2, NM_001142771.2); c.2786G>A, p.Arg929Gln (NM_001142764.2, NM_001142766.2, NM_001142770.3 and 5 more transcripts); c.2573G>A, p.Arg858Gln (NM_001142765.2); c.2675G>A, p.Arg892Gln (NM_001142767.2); c.2720G>A, p.Arg907Gln (NM_001142768.2, NM_001142773.2, NM_001354404.2); c.2822G>A, p.Arg941Gln (NM_001142769.4); c.2807G>A, p.Arg936Gln (NM_001354411.2); short protein forms R929Q, R907Q, R936Q, R941Q, R858Q, R892Q, R934Q.
Identifiers: ClinVar variation 46456 (VCV000046456.31), dbSNP rs2135720, ClinGen allele CA138396.